The following is an entry in ClinVar:

ClinVar aggregate classification (germline): Uncertain significance. Review status: criteria provided, multiple submitters, no conflicts (2 of 4 stars). 4 submissions from 4 submitters: Uncertain significance (4). Last evaluated 2025-06-07.

Conditions:
SLC52A3-related disorder. Also called: SLC52A3-related condition.
Brown-Vialetto-van Laere syndrome 1. Also called: BROWN-VIALETTO-VAN LAERE SYNDROME 1, MILD; BULBAR PALSY, PROGRESSIVE, WITH SENSORINEURAL DEAFNESS; PONTOBULBAR PALSY WITH DEAFNESS. Identifiers: Orphanet 572550, Orphanet 97229, MedGen C0796274, MONDO:0024537, OMIM 211530.
Inborn genetic diseases. Identifiers: MedGen C0950123, MeSH D030342.

Allele frequency attached by ClinVar (database versions not stated): ExAC 0.00003; gnomAD 0.00006; TOPMed 0.00006; ESP Exome Variant Server 0.00008; gnomAD exomes 0.00001 and 0.00003.
gnomAD v4.1: 54 of 1,577,484 alleles (0.0034%); highest among the groups gnomAD compares: African/African-American, 0.0054%; no homozygotes.

Submissions (4):

Ambry Genetics
Classification: Uncertain significance for Inborn genetic diseases. Last evaluated: 2025-06-07. Review status: criteria provided, single submitter. Criteria: Ambry Variant Classification Scheme 2023. Collection method: clinical testing. Allele origin: germline.

PreventionGenetics, part of Exact Sciences
Classification: Uncertain significance for SLC52A3-related condition. Last evaluated: 2025-01-09. Review status: criteria provided, single submitter. Criteria: ACMG Guidelines, 2015. Collection method: clinical testing. Allele origin: germline.
Comment: The SLC52A3 c.1270C>T variant is predicted to result in the amino acid substitution p.Leu424Phe. To our knowledge, this variant has not been reported in the literature. This variant is reported in 0.0054% of alleles in individuals of European (Non-Finnish) descent in gnomAD. At this time, the clinical significance of this variant is uncertain due to the absence of conclusive functional and genetic evidence.

Labcorp Genetics (formerly Invitae), Labcorp
Classification: Uncertain significance for Brown-Vialetto-van Laere syndrome 1. Last evaluated: 2022-06-26. Review status: criteria provided, single submitter. Criteria: Invitae Variant Classification Sherloc (09022015). Collection method: clinical testing. Allele origin: germline.
Comment: This sequence change replaces leucine, which is neutral and non-polar, with phenylalanine, which is neutral and non-polar, at codon 424 of the SLC52A3 protein (p.Leu424Phe). This variant is present in population databases (rs369230517, gnomAD 0.006%). This variant has not been reported in the literature in individuals affected with SLC52A3-related conditions. ClinVar contains an entry for this variant (Variation ID: 476599). Algorithms developed to predict the effect of missense changes on protein structure and function are either unavailable or do not agree on the potential impact of this missense change (SIFT: "Deleterious"; PolyPhen-2: "Benign"; Align-GVGD: "Class C0"). In summary, the available evidence is currently insufficient to determine the role of this variant in disease. Therefore, it has been classified as a Variant of Uncertain Significance.

GeneDx
Classification: Uncertain significance. Last evaluated: 2021-07-15. Review status: criteria provided, single submitter. Criteria: GeneDx Variant Classification Process June 2021. Collection method: clinical testing. Allele origin: germline. Affected: yes.
Comment: Not observed at significant frequency in large population cohorts (Lek et al., 2016); In silico analysis supports that this missense variant does not alter protein structure/function; Has not been previously published as pathogenic or benign to our knowledge

NM_033409.4(SLC52A3):c.1270C>T (p.Leu424Phe)

Gene: SLC52A3 (solute carrier family 52 member 3; minus strand). Cytogenetic location: 20p13.
Variant type: single nucleotide variant.
Coding change: c.1270C>T on transcript NM_033409.4 (MANE Select); coding-DNA position 1270, C replaced by T.
Protein change: p.Leu424Phe; replaces leucine 424 with phenylalanine.
Molecular consequence: missense variant.
Genome position (GRCh38, 1-based): chr20:761,166, G>A on the plus strand (C>T on the coding strand, the complement: SLC52A3 is on the minus strand). VCF-style: chr20-761166-G-A. GRCh37 (hg19) VCF-style: chr20-741810-G-A.
Other names: c.1270C>T, p.Leu424Phe (NM_001370085.1, NM_001370086.1); short protein forms L424F.
Identifiers: ClinVar variation 476599 (VCV000476599.10), dbSNP rs369230517, ClinGen allele CA9724529.